The following is an entry in ClinVar:

NM_004813.4(PEX16):c.419C>A (p.Pro140His)

Gene: PEX16 (peroxisomal biogenesis factor 16; minus strand). Cytogenetic location: 11p11.2.
Variant type: single nucleotide variant.
Coding change: c.419C>A on transcript NM_004813.4 (MANE Select); coding-DNA position 419, C replaced by A.
Protein change: p.Pro140His; replaces proline 140 with histidine.
Molecular consequence: missense variant.
Genome position (GRCh38, 1-based): chr11:45,915,509, G>T on the plus strand (C>A on the coding strand, the complement: PEX16 is on the minus strand). VCF-style: chr11-45915509-G-T. GRCh37 (hg19) VCF-style: chr11-45937060-G-T.
Other names: c.419C>A, p.Pro140His (NM_057174.3); c.419C>A (NM_004813.2); short protein forms P140H.
Identifiers: ClinVar variation 2038279 (VCV002038279.6), dbSNP rs764641368, ClinGen allele CA380228280.

ClinVar aggregate classification (germline): Uncertain significance. Review status: criteria provided, multiple submitters, no conflicts (2 of 4 stars). 3 submissions from 3 submitters: Uncertain significance (3). Last evaluated 2025-08-14.

Conditions:
Inborn genetic diseases. Identifiers: MedGen C0950123, MeSH D030342.
Peroxisome biogenesis disorder. Identifiers: Orphanet 79189, MedGen C1832200, MONDO:0019234. Disease mechanism: loss of function.

Submissions (3):

Ambry Genetics
Classification: Uncertain significance for Inborn genetic diseases. Last evaluated: 2025-08-14. Review status: criteria provided, single submitter. Criteria: Ambry Variant Classification Scheme 2023. Collection method: clinical testing. Allele origin: germline.

Labcorp Genetics (formerly Invitae), Labcorp
Classification: Uncertain significance for Peroxisome biogenesis disorder. Last evaluated: 2023-10-03. Review status: criteria provided, single submitter. Criteria: Invitae Variant Classification Sherloc (09022015). Collection method: clinical testing. Allele origin: germline.
Comment: This sequence change replaces proline, which is neutral and non-polar, with histidine, which is basic and polar, at codon 140 of the PEX16 protein (p.Pro140His). This variant is present in population databases (no rsID available, gnomAD 0.0009%). This variant has not been reported in the literature in individuals affected with PEX16-related conditions. ClinVar contains an entry for this variant (Variation ID: 2038279). Advanced modeling of protein sequence and biophysical properties (such as structural, functional, and spatial information, amino acid conservation, physicochemical variation, residue mobility, and thermodynamic stability) performed at Invitae indicates that this missense variant is expected to disrupt PEX16 protein function. In summary, the available evidence is currently insufficient to determine the role of this variant in disease. Therefore, it has been classified as a Variant of Uncertain Significance.

Blueprint Genetics
Classification: Uncertain significance. Last evaluated: 2018-11-14. Review status: criteria provided, single submitter. Criteria: ACMG Guidelines, 2015. Collection method: clinical testing. Allele origin: germline.